The following is an entry in ClinVar:

NM_003722.5(TP63):c.1528A>C (p.Met510Leu)

Gene: TP63 (tumor protein p63; plus strand). Cytogenetic location: 3q28.
Variant type: single nucleotide variant.
Coding change: c.1528A>C on transcript NM_003722.5 (MANE Select); coding-DNA position 1528, A replaced by C.
Protein change: p.Met510Leu; replaces methionine 510 with leucine.
Molecular consequence: missense variant. On other transcripts: intron variant (4).
Genome position (GRCh38, 1-based): chr3:189,889,360, A>C. VCF-style: chr3-189889360-A-C. GRCh37 (hg19) VCF-style: chr3-189607149-A-C.
Other names: c.1528A>C, p.Met510Leu (NM_001114978.2); c.1246A>C, p.Met416Leu (NM_001114980.2, NM_001114981.2); c.991A>C, p.Met331Leu (NM_001329146.2); c.1516A>C, p.Met506Leu (NM_001329148.2); c.1522A>C, p.Met508Leu (NM_001329964.2); c.1507+2809A>C (NM_001329144.2); c.1225+2809A>C (NM_001329145.2); c.1213+2809A>C (NM_001329149.2); and 1 more; short protein forms M506L, M508L, M510L, M331L, M416L.
Identifiers: ClinVar variation 2771950 (VCV002771950.2), dbSNP rs769778189, ClinGen allele CA355758162.

ClinVar aggregate classification (germline): Uncertain significance (1 of 4 stars; one submission).

Conditions:
TP63-Related Spectrum Disorders.

Submission:

Labcorp Genetics (formerly Invitae), Labcorp
Classification: Uncertain significance. Last evaluated: 2023-10-26. Review status: criteria provided, single submitter. Criteria: Invitae Variant Classification Sherloc (09022015). Collection method: clinical testing. Allele origin: germline.
Comment: This sequence change replaces methionine, which is neutral and non-polar, with leucine, which is neutral and non-polar, at codon 510 of the TP63 protein (p.Met510Leu). This variant is not present in population databases (gnomAD no frequency). This variant has not been reported in the literature in individuals affected with TP63-related conditions. Advanced modeling of protein sequence and biophysical properties (such as structural, functional, and spatial information, amino acid conservation, physicochemical variation, residue mobility, and thermodynamic stability) has been performed at Invitae for this missense variant, however the output from this modeling did not meet the statistical confidence thresholds required to predict the impact of this variant on TP63 protein function. In summary, the available evidence is currently insufficient to determine the role of this variant in disease. Therefore, it has been classified as a Variant of Uncertain Significance.